The following is an entry in ClinVar:

NM_001378030.1(CCDC78):c.107C>G (p.Thr36Ser)

Gene: CCDC78 (coiled-coil domain containing 78; minus strand). Cytogenetic location: 16p13.3.
Variant type: single nucleotide variant.
Coding change: c.107C>G on transcript NM_001378030.1 (MANE Select); coding-DNA position 107, C replaced by G.
Protein change: p.Thr36Ser; replaces threonine 36 with serine.
Molecular consequence: missense variant. On other transcripts: 5 prime UTR variant (1), non-coding transcript variant (5).
Genome position (GRCh38, 1-based): chr16:726,039, G>C on the plus strand (C>G on the coding strand, the complement: CCDC78 is on the minus strand). VCF-style: chr16-726039-G-C. GRCh37 (hg19) VCF-style: chr16-776039-G-C.
Other names: c.107C>G, p.Thr36Ser (NM_001031737.3, NM_001378031.1); c.-179C>G (NM_001378033.1); short protein forms T36S.
Identifiers: ClinVar variation 842782 (VCV000842782.9), dbSNP rs2040893951, ClinGen allele CA394105898.

ClinVar aggregate classification (germline): Uncertain significance (1 of 4 stars; one submission).

Conditions:
Congenital myopathy with internal nuclei and atypical cores. Also called: Myopathy, centronuclear, 4. Identifiers: Orphanet 319160, MedGen C4707232, MONDO:0013890, OMIM 614807.

Submission:

Labcorp Genetics (formerly Invitae), Labcorp
Classification: Uncertain significance for Congenital myopathy with internal nuclei and atypical cores. Last evaluated: 2019-01-27. Review status: criteria provided, single submitter. Criteria: Invitae Variant Classification Sherloc (09022015). Collection method: clinical testing. Allele origin: germline.
Comment: In summary, the available evidence is currently insufficient to determine the role of this variant in disease. Therefore, it has been classified as a Variant of Uncertain Significance. Algorithms developed to predict the effect of missense changes on protein structure and function (SIFT, PolyPhen-2, Align-GVGD) all suggest that this variant is likely to be tolerated, but these predictions have not been confirmed by published functional studies and their clinical significance is uncertain. This variant has not been reported in the literature in individuals with CCDC78-related conditions. This variant is not present in population databases (ExAC no frequency). This sequence change replaces threonine with serine at codon 36 of the CCDC78 protein (p.Thr36Ser). The threonine residue is moderately conserved and there is a small physicochemical difference between threonine and serine.